The following is an entry in ClinVar:

NM_000539.3(RHO):c.664T>C (p.Cys222Arg)

Gene: RHO (rhodopsin; plus strand). Cytogenetic location: 3q22.1.
Variant type: single nucleotide variant.
Coding change: c.664T>C on transcript NM_000539.3 (MANE Select); coding-DNA position 664, T replaced by C.
Protein change: p.Cys222Arg; replaces cysteine 222 with arginine.
Molecular consequence: missense variant.
Genome position (GRCh38, 1-based): chr3:129,532,384, T>C. VCF-style: chr3-129532384-T-C. GRCh37 (hg19) VCF-style: chr3-129251227-T-C.
Other names: short protein forms C222R.
Identifiers: ClinVar variation 4853897 (VCV004853897.2).
Genomic context (GRCh38, chr3:129,532,384, plus strand): 5'-TCTTTTGTCATCTACATGTTCGTGGTCCACTTCACCATCCCCATGATTATCATCTTTTTC[T>C]GCTATGGGCAGCTCGTCTTCACCGTCAAGGAGGTACGGGCCGGGGGGTGGGCGGCCTCAC-3'
Protein context (NP_000530.1, residues 212-232): FTIPMIIIFF[Cys222Arg]YGQLVFTVKE

ClinVar aggregate classification (germline): Likely pathogenic. Review status: criteria provided, multiple submitters, no conflicts (2 of 4 stars). 2 submissions from 2 submitters: Likely pathogenic (2). Last evaluated 2025-05-29.

Conditions:
Retinitis pigmentosa 4 (RP4). Also called: RETINITIS PIGMENTOSA, RHODOPSIN-RELATED. Identifiers: Orphanet 791, MedGen C3151001, MONDO:0013395, OMIM 613731.
RHO-related disorder. Also called: RHO-related condition.

Submissions (2):

3billion
Classification: Likely pathogenic for Retinitis pigmentosa 4. Last evaluated: 2025-05-29. Review status: criteria provided, single submitter. Criteria: ACMG Guidelines, 2015. Collection method: clinical testing. Allele origin: germline. Affected: yes.
Comment: The variant is not observed in the gnomAD v4.1.0 dataset. Predicted Consequence/Location: Missense variant. Missense changes are a common disease-causing mechanism. Functional studies provide strong evidence of the variant having a damaging effect on the gene or gene product (PMID: 30085663). In silico tool predictions suggest damaging effect of the variant on gene or gene product [REVEL: 0.81 (>=0.6, sensitivity 0.68 and specificity 0.92); 3Cnet: 0.98 (> 0.75, sensitivity 0.96 and precision 0.92)]. The same nucleotide change resulting in the same amino acid change has been previously reported to be associated with RHO-related disorder (PMID: 8406457). Therefore, this variant is classified as Likely pathogenic according to the recommendation of ACMG/AMP guideline.

Blueprint Genetics
Classification: Likely pathogenic for RHO-related disorders. Last evaluated: 2020-08-01. Review status: criteria provided, single submitter. Criteria: ACMG Guidelines, 2015. Collection method: clinical testing. Allele origin: germline. Affected: yes. Observed: 1 variant allele.

Literature cited by the submitters: PubMed 8406457 (cited by 3billion); PubMed 30085663 (cited by 3billion).